The following is an entry in ClinVar:

ClinVar aggregate classification (germline): Pathogenic (1 of 4 stars; one submission).

Submission:

GeneDx
Classification: Pathogenic. Last evaluated: 2023-01-30. Review status: criteria provided, single submitter. Criteria: GeneDx Variant Classification Process June 2021. Collection method: clinical testing. Allele origin: germline. Affected: yes.
Comment: Not observed at significant frequency in large population cohorts (gnomAD); In silico analysis supports that this missense variant has a deleterious effect on protein structure/function; This variant is associated with the following publications: (PMID: 23223019, 31301121)

NM_005257.6(GATA6):c.1435A>G (p.Arg479Gly)

Gene: GATA6 (GATA binding protein 6; plus strand). Cytogenetic location: 18q11.2.
Variant type: single nucleotide variant.
Coding change: c.1435A>G on transcript NM_005257.6 (MANE Select); coding-DNA position 1435, A replaced by G.
Protein change: p.Arg479Gly; replaces arginine 479 with glycine.
Molecular consequence: missense variant.
Genome position (GRCh38, 1-based): chr18:22,182,763, A>G. VCF-style: chr18-22182763-A-G. GRCh37 (hg19) VCF-style: chr18-19762724-A-G.
Other names: short protein forms R479G.
Identifiers: ClinVar variation 2574532 (VCV002574532.1), dbSNP rs2510632394, ClinGen allele CA401802567.